The following is an entry in ClinVar:

NM_001127208.3(TET2):c.1232C>T (p.Pro411Leu)

Genes: TET2 (tet methylcytosine dioxygenase 2; plus strand), TET2-AS1 (TET2 antisense RNA 1; minus strand). Cytogenetic location: 4q24.
Variant type: single nucleotide variant.
Coding change: c.1232C>T on transcript NM_001127208.3 (MANE Select); coding-DNA position 1232, C replaced by T.
Protein change: p.Pro411Leu; replaces proline 411 with leucine.
Molecular consequence: missense variant.
Genome position (GRCh38, 1-based): chr4:105,235,174, C>T. VCF-style: chr4-105235174-C-T. GRCh37 (hg19) VCF-style: chr4-106156331-C-T.
Other names: c.1232C>T, p.Pro411Leu (NM_017628.4); short protein forms P411L.
Identifiers: ClinVar variation 3805855 (VCV003805855.1).

ClinVar aggregate classification (germline): Uncertain significance (1 of 4 stars; one submission).

gnomAD v4.1: 3 of 1,614,056 alleles (0.00019%); highest among the groups gnomAD compares: Non-Finnish European, 0.00025%; no homozygotes.

Submission:

Ambry Genetics
Classification: Uncertain significance. Last evaluated: 2024-12-14. Review status: criteria provided, single submitter. Criteria: Ambry Variant Classification Scheme 2023. Collection method: clinical testing. Allele origin: germline.
Comment: The p.P411L variant (also known as c.1232C>T), located in coding exon 1 of the TET2 gene, results from a C to T substitution at nucleotide position 1232. The proline at codon 411 is replaced by leucine, an amino acid with similar properties. This amino acid position is conserved. In addition, this alteration is predicted to be tolerated by in silico analysis. Based on the available evidence, the clinical significance of this variant remains unclear.